The following is an entry in ClinVar:

NM_005902.4(SMAD3):c.490A>G (p.Thr164Ala)

Gene: SMAD3 (SMAD family member 3; plus strand). Cytogenetic location: 15q22.33.
Variant type: single nucleotide variant.
Coding change: c.490A>G on transcript NM_005902.4 (MANE Select); coding-DNA position 490, A replaced by G.
Protein change: p.Thr164Ala; replaces threonine 164 with alanine.
Molecular consequence: missense variant.
Genome position (GRCh38, 1-based): chr15:67,165,342, A>G. VCF-style: chr15-67165342-A-G. GRCh37 (hg19) VCF-style: chr15-67457680-A-G.
Other names: p.Thr164Ala; c.175A>G, p.Thr59Ala (NM_001145102.2, NM_001407016.1); c.358A>G, p.Thr120Ala (NM_001145103.2); c.490A>G, p.Thr164Ala (NM_001407011.1, NM_001407013.1); c.343A>G, p.Thr115Ala (NM_001407014.1); short protein forms T115A, T120A, T59A, T164A.
Identifiers: ClinVar variation 2201044 (VCV002201044.5), dbSNP rs1254152984, ClinGen allele CA392954422.

ClinVar aggregate classification (germline): Uncertain significance. Review status: criteria provided, multiple submitters, no conflicts (2 of 4 stars). 2 submissions from 2 submitters: Uncertain significance (2). Last evaluated 2025-12-29.

Conditions:
Familial thoracic aortic aneurysm and aortic dissection (TAAD). Also called: Thoracic aortic aneurysms and dissections. Identifiers: Orphanet 91387, MedGen C4707243, MONDO:0019625.

Allele frequency attached by ClinVar (database versions not stated): gnomAD exomes below 0.00001.
gnomAD v4.1: 3 of 1,614,024 alleles (0.00019%); highest among the groups gnomAD compares: South Asian, 0.0033%; no homozygotes.

Submissions (2):

Labcorp Genetics (formerly Invitae), Labcorp
Classification: Uncertain significance for Familial thoracic aortic aneurysm and aortic dissection. Last evaluated: 2025-12-29. Review status: criteria provided, single submitter. Criteria: Invitae Variant Classification Sherloc (09022015). Collection method: clinical testing. Allele origin: germline.
Comment: This sequence change replaces threonine, which is neutral and polar, with alanine, which is neutral and non-polar, at codon 164 of the SMAD3 protein (p.Thr164Ala). This variant is not present in population databases (gnomAD no frequency). This variant has not been reported in the literature in individuals affected with SMAD3-related conditions. ClinVar contains an entry for this variant (Variation ID: 2201044). Invitae Evidence Modeling of protein sequence and biophysical properties (such as structural, functional, and spatial information, amino acid conservation, physicochemical variation, residue mobility, and thermodynamic stability) indicates that this missense variant is not expected to disrupt SMAD3 protein function with a negative predictive value of 95%. In summary, the available evidence is currently insufficient to determine the role of this variant in disease. Therefore, it has been classified as a Variant of Uncertain Significance.

Mayo Clinic Laboratories, Mayo Clinic
Classification: Uncertain significance. Last evaluated: 2025-05-18. Review status: criteria provided, single submitter. Criteria: ACMG Guidelines, 2015. Collection method: clinical testing. Allele origin: germline. Observed: 1 variant allele.
Comment: PM2_supporting